The following is an entry in ClinVar:

ClinVar aggregate classification (germline): Uncertain significance (1 of 4 stars; one submission).

Conditions:
Early Myoclonic Encephalopathy. Identifiers: MedGen C0270855.

gnomAD v4.1: 3 of 1,614,170 alleles (0.00019%); highest among the groups gnomAD compares: Non-Finnish European, 0.00025%; no homozygotes.

Submission:

Labcorp Genetics (formerly Invitae), Labcorp
Classification: Uncertain significance for Early Myoclonic Encephalopathy. Last evaluated: 2025-03-30. Review status: criteria provided, single submitter. Criteria: Invitae Variant Classification Sherloc (09022015). Collection method: clinical testing. Allele origin: germline.
Comment: This sequence change replaces serine, which is neutral and polar, with asparagine, which is neutral and polar, at codon 1294 of the JMJD1C protein (p.Ser1294Asn). This variant is present in population databases (no rsID available, gnomAD 0.007%). This variant has not been reported in the literature in individuals affected with JMJD1C-related conditions. Invitae Evidence Modeling of protein sequence and biophysical properties (such as structural, functional, and spatial information, amino acid conservation, physicochemical variation, residue mobility, and thermodynamic stability) indicates that this missense variant is not expected to disrupt JMJD1C protein function with a negative predictive value of 80%. In summary, the available evidence is currently insufficient to determine the role of this variant in disease. Therefore, it has been classified as a Variant of Uncertain Significance.

NM_032776.3(JMJD1C):c.3881G>A (p.Ser1294Asn)

Gene: JMJD1C (jumonji domain containing 1C; minus strand). Cytogenetic location: 10q21.3.
Variant type: single nucleotide variant.
Coding change: c.3881G>A on transcript NM_032776.3 (MANE Select); coding-DNA position 3881, G replaced by A.
Protein change: p.Ser1294Asn; replaces serine 1294 with asparagine.
Molecular consequence: missense variant. On other transcripts: non-coding transcript variant (1).
Genome position (GRCh38, 1-based): chr10:63,207,788, C>T on the plus strand (G>A on the coding strand, the complement: JMJD1C is on the minus strand). VCF-style: chr10-63207788-C-T. GRCh37 (hg19) VCF-style: chr10-64967548-C-T.
Other names: c.3335G>A, p.Ser1112Asn (NM_001282948.2, NM_001318154.2); c.3017G>A, p.Ser1006Asn (NM_001318153.2); c.3767G>A, p.Ser1256Asn (NM_001322252.2); c.3224G>A, p.Ser1075Asn (NM_001322254.2, NM_001322258.2); short protein forms S1006N, S1256N, S1294N, S1112N, S1075N.
Identifiers: ClinVar variation 4692490 (VCV004692490.1).